The following is an entry in ClinVar:

ClinVar aggregate classification (germline): Likely benign (1 of 4 stars; one submission).

Submission:

CeGaT Center for Human Genetics Tuebingen
Classification: Likely benign. Last evaluated: 2025-04-01. Review status: criteria provided, single submitter. Criteria: CeGaT Center For Human Genetics Tuebingen Variant Classification Criteria Version 2. Collection method: clinical testing. Allele origin: germline. Affected: yes. Observed: 1 variant allele.
Comment: BRF1: PM2:Supporting, BP4, BP7

NM_001519.4(BRF1):c.1680G>A (p.Gln560=)

Gene: BRF1 (BRF1 general transcription factor IIIB subunit; minus strand). Cytogenetic location: 14q32.33.
Variant type: single nucleotide variant.
Coding change: c.1680G>A on transcript NM_001519.4 (MANE Select); coding-DNA position 1680, G replaced by A.
Protein change: p.Gln560=; no amino-acid change (glutamine 560 retained).
Molecular consequence: synonymous variant.
Genome position (GRCh38, 1-based): chr14:105,217,636, C>T on the plus strand (G>A on the coding strand, the complement: BRF1 is on the minus strand). VCF-style: chr14-105217636-C-T. GRCh37 (hg19) VCF-style: chr14-105683973-C-T.
Other names: c.1401G>A, p.Gln467= (NM_001242786.2); c.1335G>A, p.Gln445= (NM_001242787.2); c.1599G>A, p.Gln533= (NM_001242788.2); c.966G>A, p.Gln322= (NM_001242789.2); c.1068G>A, p.Gln356= (NM_145685.3).
Identifiers: ClinVar variation 3898583 (VCV003898583.7).